The following is an entry in ClinVar:

ClinVar aggregate classification (germline): Likely benign (1 of 4 stars; one submission).

Conditions:
Familial cancer of breast. Also called: hereditary breast carcinoma; Hereditary breast cancer; BREAST CANCER, FAMILIAL. Identifiers: Orphanet 227535, MedGen C0346153, MONDO:0016419, OMIM 114480. Disease mechanism: loss of function.

Submission:

Myriad Genetics, Inc.
Classification: Likely benign for Familial cancer of breast. Last evaluated: 2024-07-29. Review status: criteria provided, single submitter. Criteria: Myriad Autosomal Dominant, Autosomal Recessive and X-Linked Classification Criteria (2023). Collection method: clinical testing. Allele origin: unknown.
Comment: This variant is considered likely benign. This variant is intronic and is not expected to impact mRNA splicing.

NM_000465.4(BARD1):c.1904-18T>C

Gene: BARD1 (BRCA1 associated RING domain 1; minus strand). Cytogenetic location: 2q35.
Variant type: single nucleotide variant.
Coding change: c.1904-18T>C on transcript NM_000465.4 (MANE Select); 18 bases into the intron before coding-DNA position 1904, T replaced by C.
Molecular consequence: intron variant.
Genome position (GRCh38, 1-based): chr2:214,730,526, A>G on the plus strand (T>C on the coding strand, the complement: BARD1 is on the minus strand). VCF-style: chr2-214730526-A-G. GRCh37 (hg19) VCF-style: chr2-215595250-A-G.
Other names: c.494-18T>C (NM_001282548.2); c.1847-18T>C (NM_001282543.2); c.551-18T>C (NM_001282545.2); c.365-18T>C (NM_001282549.2).
Identifiers: ClinVar variation 3379294 (VCV003379294.1).